The following is an entry in ClinVar:

ClinVar aggregate classification (germline): Likely benign. Review status: criteria provided, single submitter (1 of 4 stars). 2 submissions from 2 submitters: Likely benign (1). 1 of the submissions does not count toward it. Last evaluated 2025-08-15.

Conditions:
NCAPD3-related disorder. Also called: NCAPD3-related condition.

Allele frequency attached by ClinVar (database versions not stated): TOPMed 0.00014; gnomAD 0.00033; gnomAD exomes 0.00062; ExAC 0.00133; 1000 Genomes Project 30x 0.00141; 1000 Genomes Project 0.00160.
gnomAD v4.1: 944 of 1,605,808 alleles (0.059%); highest among the groups gnomAD compares: South Asian, 0.95%; 13 homozygotes.

Submissions (2):

Ambry Genetics
Classification: Likely benign. Last evaluated: 2025-08-15. Review status: criteria provided, single submitter. Criteria: Ambry Variant Classification Scheme 2023. Collection method: clinical testing. Allele origin: germline.

PreventionGenetics, part of Exact Sciences
Classification: Benign for NCAPD3-related condition. Last evaluated: 2020-03-25. Review status: no assertion criteria provided. Collection method: clinical testing. Allele origin: germline. Not counted in ClinVar's aggregate classification.
Comment: This variant is classified as benign based on ACMG/AMP sequence variant interpretation guidelines (Richards et al. 2015 PMID: 25741868, with internal and published modifications).

NM_015261.3(NCAPD3):c.1556G>A (p.Arg519His)

Gene: NCAPD3 (non-SMC condensin II complex subunit D3; minus strand). Cytogenetic location: 11q25.
Variant type: single nucleotide variant.
Coding change: c.1556G>A on transcript NM_015261.3 (MANE Select); coding-DNA position 1556, G replaced by A.
Protein change: p.Arg519His; replaces arginine 519 with histidine.
Molecular consequence: missense variant.
Genome position (GRCh38, 1-based): chr11:134,202,875, C>T on the plus strand (G>A on the coding strand, the complement: NCAPD3 is on the minus strand). VCF-style: chr11-134202875-C-T. GRCh37 (hg19) VCF-style: chr11-134072770-C-T.
Other names: c.1556G>A, p.Arg519His (NM_001372065.1, NM_001372068.1); c.1142G>A, p.Arg381His (NM_001372069.1, NM_001372070.1); short protein forms R381H, R519H.
Identifiers: ClinVar variation 3051227 (VCV003051227.3), dbSNP rs548599881, ClinGen allele CA6371612.